The following is an entry in ClinVar:

NM_199420.4(POLQ):c.7237A>T (p.Ile2413Phe)

Gene: POLQ (DNA polymerase theta; minus strand). Cytogenetic location: 3q13.33.
Variant type: single nucleotide variant.
Coding change: c.7237A>T on transcript NM_199420.4 (MANE Select); coding-DNA position 7237, A replaced by T.
Protein change: p.Ile2413Phe; replaces isoleucine 2413 with phenylalanine.
Molecular consequence: missense variant.
Genome position (GRCh38, 1-based): chr3:121,449,342, T>A on the plus strand (A>T on the coding strand, the complement: POLQ is on the minus strand). VCF-style: chr3-121449342-T-A. GRCh37 (hg19) VCF-style: chr3-121168189-T-A.
Other names: short protein forms I2413F.
Identifiers: ClinVar variation 2563831 (VCV002563831.2), dbSNP rs757316650, ClinGen allele CA2562238.

ClinVar aggregate classification (germline): Uncertain significance (1 of 4 stars; one submission).

gnomAD v4.1: 1 of 1,578,110 alleles (0.000063%); highest among the groups gnomAD compares: South Asian, 0.0011%; no homozygotes.

Submission:

Ambry Genetics
Classification: Uncertain significance. Last evaluated: 2023-05-05. Review status: criteria provided, single submitter. Criteria: Ambry Variant Classification Scheme 2023. Collection method: clinical testing. Allele origin: germline.
Comment: The p.I2413F variant (also known as c.7237A>T), located in coding exon 26 of the POLQ gene, results from an A to T substitution at nucleotide position 7237. The isoleucine at codon 2413 is replaced by phenylalanine, an amino acid with highly similar properties. This amino acid position is conserved. In addition, this alteration is predicted to be deleterious by in silico analysis. Since supporting evidence is limited at this time, the clinical significance of this alteration remains unclear.